The following is an entry in ClinVar:

NM_003098.3(SNTA1):c.1007G>A (p.Arg336Gln)

Gene: SNTA1 (syntrophin alpha 1; minus strand). Cytogenetic location: 20q11.21.
Variant type: single nucleotide variant.
Coding change: c.1007G>A on transcript NM_003098.3 (MANE Select); coding-DNA position 1007, G replaced by A.
Protein change: p.Arg336Gln; replaces arginine 336 with glutamine.
Molecular consequence: missense variant.
Genome position (GRCh38, 1-based): chr20:33,412,329, C>T on the plus strand (G>A on the coding strand, the complement: SNTA1 is on the minus strand). VCF-style: chr20-33412329-C-T. GRCh37 (hg19) VCF-style: chr20-32000135-C-T.
Other names: short protein forms R336Q.
Identifiers: ClinVar variation 412220 (VCV000412220.9), dbSNP rs149126874, ClinGen allele CA9817081.

ClinVar aggregate classification (germline): Conflicting classifications of pathogenicity. Review status: criteria provided, conflicting classifications (1 of 4 stars). 2 submissions from 2 submitters: Uncertain significance (1); Likely benign (1). Last evaluated 2025-05-23.

Conditions:
Cardiovascular phenotype. Identifiers: MedGen CN230736.
Long QT syndrome (LQTS). Identifiers: MedGen C0023976, MeSH D008133, MONDO:0002442. Disease mechanism: loss of function. Inheritance: Various modes of inheritance.

Allele frequency attached by ClinVar (database versions not stated): gnomAD exomes 0.00002 and 0.00003; ExAC 0.00003; gnomAD 0.00003 and 0.00004; TOPMed 0.00003; ESP Exome Variant Server 0.00015.
gnomAD v4.1: 53 of 1,611,842 alleles (0.0033%); highest among the groups gnomAD compares: Non-Finnish European, 0.0038%; no homozygotes.

Submissions (2):

Labcorp Genetics (formerly Invitae), Labcorp
Classification: Uncertain significance for Long QT syndrome. Last evaluated: 2025-05-23. Review status: criteria provided, single submitter. Criteria: Invitae Variant Classification Sherloc (09022015). Collection method: clinical testing. Allele origin: germline.
Comment: This sequence change replaces arginine, which is basic and polar, with glutamine, which is neutral and polar, at codon 336 of the SNTA1 protein (p.Arg336Gln). This variant is present in population databases (rs149126874, gnomAD 0.007%). This missense change has been observed in individual(s) with sudden unexplained death (PMID: 29247119). ClinVar contains an entry for this variant (Variation ID: 412220). Invitae Evidence Modeling of protein sequence and biophysical properties (such as structural, functional, and spatial information, amino acid conservation, physicochemical variation, residue mobility, and thermodynamic stability) indicates that this missense variant is not expected to disrupt SNTA1 protein function with a negative predictive value of 80%. In summary, the available evidence is currently insufficient to determine the role of this variant in disease. Therefore, it has been classified as a Variant of Uncertain Significance.

Ambry Genetics
Classification: Likely benign for Cardiovascular phenotype. Last evaluated: 2024-02-21. Review status: criteria provided, single submitter. Criteria: Ambry Variant Classification Scheme 2023. Collection method: clinical testing. Allele origin: germline.

Literature cited by the submitters: PubMed 29247119 (cited by Labcorp Genetics (formerly Invitae), Labcorp and Ambry Genetics).